The following is an entry in ClinVar:

ClinVar aggregate classification (germline): Uncertain significance (1 of 4 stars; one submission).

Submission:

Dasa
Classification: Uncertain significance. Last evaluated: 2025-07-24. Review status: criteria provided, single submitter. Criteria: DASA Assertion Criteria. Collection method: clinical testing. Allele origin: germline.
Comment: NM_024306.5(FA2H):c.626C>T (p.Ala209Val) is a missense variant that results in the substitution of alanine with valine. This variant is rare in population databases. Computational prediction algorithms are consistent with a benign effect. The currently available literature and clinical evidence are not sufficient to establish a definitive association between this variant and the reported condition. Therefore, this variant is classified as a variant of uncertain significance.

NM_024306.5(FA2H):c.626C>T (p.Ala209Val)

Gene: FA2H (fatty acid 2-hydroxylase; minus strand). Cytogenetic location: 16q23.1.
Variant type: single nucleotide variant.
Coding change: c.626C>T on transcript NM_024306.5 (MANE Select); coding-DNA position 626, C replaced by T.
Protein change: p.Ala209Val; replaces alanine 209 with valine.
Molecular consequence: missense variant.
Genome position (GRCh38, 1-based): chr16:74,719,148, G>A on the plus strand (C>T on the coding strand, the complement: FA2H is on the minus strand). VCF-style: chr16-74719148-G-A. GRCh37 (hg19) VCF-style: chr16-74753046-G-A.
Other names: short protein forms A209V.
Identifiers: ClinVar variation 4883223 (VCV004883223.2).